The following is an entry in ClinVar:

NM_004273.5(CHST3):c.790T>C (p.Cys264Arg)

Gene: CHST3 (carbohydrate sulfotransferase 3; plus strand). Cytogenetic location: 10q22.1.
Variant type: single nucleotide variant.
Coding change: c.790T>C on transcript NM_004273.5 (MANE Select); coding-DNA position 790, T replaced by C.
Protein change: p.Cys264Arg; replaces cysteine 264 with arginine.
Molecular consequence: missense variant.
Genome position (GRCh38, 1-based): chr10:72,007,821, T>C. VCF-style: chr10-72007821-T-C. GRCh37 (hg19) VCF-style: chr10-73767579-T-C.
Other names: short protein forms C264R.
Identifiers: ClinVar variation 1475737 (VCV001475737.6), dbSNP rs1459673649, ClinGen allele CA377146721.

ClinVar aggregate classification (germline): Uncertain significance (1 of 4 stars; one submission).

Conditions:
Spondyloepiphyseal dysplasia with congenital joint dislocations (SEDCJD). Also called: Chondrodysplasia with Congenital Joint Dislocations, CHST3-Related. Identifiers: Orphanet 263463, MedGen C1837657, MONDO:0007738, OMIM 143095.

Allele frequency attached by ClinVar (database versions not stated): gnomAD exomes below 0.00001; gnomAD 0.00001.
gnomAD v4.1: 3 of 1,601,918 alleles (0.00019%); highest among the groups gnomAD compares: Non-Finnish European, 0.00025%; no homozygotes.

Submission:

Labcorp Genetics (formerly Invitae), Labcorp
Classification: Uncertain significance for Spondyloepiphyseal dysplasia with congenital joint dislocations. Last evaluated: 2022-11-15. Review status: criteria provided, single submitter. Criteria: Invitae Variant Classification Sherloc (09022015). Collection method: clinical testing. Allele origin: germline.
Comment: In summary, the available evidence is currently insufficient to determine the role of this variant in disease. Therefore, it has been classified as a Variant of Uncertain Significance. Advanced modeling of protein sequence and biophysical properties (such as structural, functional, and spatial information, amino acid conservation, physicochemical variation, residue mobility, and thermodynamic stability) performed at Invitae indicates that this missense variant is expected to disrupt CHST3 protein function. ClinVar contains an entry for this variant (Variation ID: 1475737). This variant has not been reported in the literature in individuals affected with CHST3-related conditions. This variant is not present in population databases (gnomAD no frequency). This sequence change replaces cysteine, which is neutral and slightly polar, with arginine, which is basic and polar, at codon 264 of the CHST3 protein (p.Cys264Arg).